The following is an entry in ClinVar:

ClinVar aggregate classification (germline): Uncertain significance (1 of 4 stars; one submission).

Conditions:
Hereditary cancer-predisposing syndrome. Also called: Neoplastic Syndromes, Hereditary; Tumor predisposition; Hereditary neoplastic syndrome; Hereditary Cancer Syndrome. Identifiers: Orphanet 140162, MedGen C0027672, MeSH D009386, MONDO:0015356.

Submission:

Ambry Genetics
Classification: Uncertain significance for Hereditary cancer-predisposing syndrome. Last evaluated: 2023-10-29. Review status: criteria provided, single submitter. Criteria: Ambry Variant Classification Scheme 2023. Collection method: clinical testing. Allele origin: germline.
Comment: The p.E218D variant (also known as c.654G>T), located in coding exon 6 of the FANCC gene, results from a G to T substitution at nucleotide position 654. The glutamic acid at codon 218 is replaced by aspartic acid, an amino acid with highly similar properties. This amino acid position is conserved. In addition, this alteration is predicted to be tolerated by in silico analysis. Since supporting evidence is limited at this time, the clinical significance of this alteration remains unclear.

NM_000136.3(FANCC):c.654G>T (p.Glu218Asp)

Genes: FANCC (FA complementation group C; minus strand), AOPEP (aminopeptidase O (putative); plus strand). Cytogenetic location: 9q22.32.
Variant type: single nucleotide variant.
Coding change: c.654G>T on transcript NM_000136.3 (MANE Select); coding-DNA position 654, G replaced by T.
Protein change: p.Glu218Asp; replaces glutamic acid 218 with aspartic acid.
Molecular consequence: missense variant.
Genome position (GRCh38, 1-based): chr9:95,149,955, C>A on the plus strand (G>T on the coding strand, the complement: FANCC is on the minus strand). VCF-style: chr9-95149955-C-A. GRCh37 (hg19) VCF-style: chr9-97912237-C-A.
Other names: c.654G>T, p.Glu218Asp (NM_001243743.2, NM_001243744.2); short protein forms E218D.
Identifiers: ClinVar variation 3230393 (VCV003230393.1), dbSNP rs754705988, ClinGen allele CA374109580.
Genomic context (GRCh38, chr9:95,149,955, plus strand): 5'-AGGATGACAGGAAACATTTGCCACTTACAGCAAAATGGCCTCGTTTACAGCCTCAAAGAA[C>A]TCTGGCTGGAGGATTTCCTGAGGTTCACGTCCATGACAGATGAGGAGAGCCTCCACCAGG-3'
Protein context (NP_000127.2, residues 208-228): GREPQEILQP[Glu218Asp]FFEAVNEAIL